The following is an entry in ClinVar:

NM_058172.6(ANTXR2):c.1395G>A (p.Arg465=)

Gene: ANTXR2 (ANTXR cell adhesion molecule 2; minus strand). Cytogenetic location: 4q21.21.
Variant type: single nucleotide variant.
Coding change: c.1395G>A on transcript NM_058172.6 (MANE Select); coding-DNA position 1395, G replaced by A.
Protein change: p.Arg465=; no amino-acid change (arginine 465 retained).
Molecular consequence: synonymous variant.
Genome position (GRCh38, 1-based): chr4:79,977,654, C>T on the plus strand (G>A on the coding strand, the complement: ANTXR2 is on the minus strand). VCF-style: chr4-79977654-C-T. GRCh37 (hg19) VCF-style: chr4-80898808-C-T.
Other names: c.1395G>A, p.Arg465= (NM_001145794.2); c.1164G>A, p.Arg388= (NM_001286780.2, NM_001286781.2).
Identifiers: ClinVar variation 349871 (VCV000349871.10), dbSNP rs35798108, ClinGen allele CA2981613.
Genomic context (GRCh38, chr4:79,977,654, plus strand): 5'-TTTCTCAATACATTCCCATATACAAACCTCATCTCCTTCCTGAGGTCGCATCAAAGAAAC[C>T]CGGTCATACTGCCGCCTCAACAAAGCCCAGAGAGCATCAAGACGACCCTAAGGGAAAATG-3'
Protein context (NP_477520.2, residues 455-475): LWALLRRQYD[Arg465=]VSLMRPQEGD

ClinVar aggregate classification (germline): Benign. Review status: criteria provided, multiple submitters, no conflicts (2 of 4 stars). 5 submissions from 5 submitters: Benign (4). 1 of the submissions does not count toward it. Last evaluated 2026-02-04.

Conditions:
Hyaline fibromatosis syndrome (HFS). Also called: Hyalinosis, Inherited Systemic; HYALINOSIS, SYSTEMIC. Identifiers: Orphanet 2028, Orphanet 498474, MedGen C5574677, MONDO:0009229, OMIM 228600.
ANTXR2-related disorder. Also called: ANTXR2-related condition.

Allele frequency attached by ClinVar (database versions not stated): 1000 Genomes Project 0.04453; 1000 Genomes Project 30x 0.04466; gnomAD exomes 0.06736 and 0.09553; TOPMed 0.06757; gnomAD 0.06794 and 0.06853; ESP Exome Variant Server 0.07517; ExAC 0.10931.
gnomAD v4.1: 146,556 of 1,581,246 alleles (9.3%); highest among the groups gnomAD compares: Non-Finnish European, 11%; 7,442 homozygotes.

Submissions (5):

Labcorp Genetics (formerly Invitae), Labcorp
Classification: Benign. Last evaluated: 2026-02-04. Review status: criteria provided, single submitter. Criteria: Invitae Variant Classification Sherloc (09022015). Collection method: clinical testing. Allele origin: germline.

GeneDx
Classification: Benign. Last evaluated: 2018-11-10. Review status: criteria provided, single submitter. Criteria: GeneDx Variant Classification Process June 2021. Collection method: clinical testing. Allele origin: germline. Affected: yes.

Illumina Laboratory Services, Illumina
Classification: Benign for Hyaline fibromatosis syndrome. Last evaluated: 2018-01-13. Review status: criteria provided, single submitter. Criteria: ICSL Variant Classification Criteria 13 December 2019. Collection method: clinical testing. Allele origin: germline.
Comment: This variant was observed in the ICSL laboratory as part of a predisposition screen in an ostensibly healthy population. It had not been previously curated by ICSL or reported in the Human Gene Mutation Database (HGMD: prior to June 1st, 2018), and was therefore a candidate for classification through an automated scoring system. Utilizing variant allele frequency, disease prevalence and penetrance estimates, and inheritance mode, an automated score was calculated to assess if this variant is too frequent to cause the disease. Based on the score and internal cut-off values, a variant classified as benign is not then subjected to further curation. The score for this variant resulted in a classification of benign for this disease.

Breakthrough Genomics
Classification: Benign. Review status: criteria provided, single submitter. Criteria: ACMG Guidelines, 2015. Collection method: not provided. Allele origin: germline. Inheritance: Autosomal recessive inheritance. Affected: yes.

PreventionGenetics, part of Exact Sciences
Classification: Benign for ANTXR2-related condition. Last evaluated: 2019-05-20. Review status: no assertion criteria provided. Collection method: clinical testing. Allele origin: germline. Not counted in ClinVar's aggregate classification.
Comment: This variant is classified as benign based on ACMG/AMP sequence variant interpretation guidelines (Richards et al. 2015 PMID: 25741868, with internal and published modifications).